The following is an entry in ClinVar:

ClinVar aggregate classification (germline): Uncertain significance. Review status: criteria provided, multiple submitters, no conflicts (2 of 4 stars). 5 submissions from 5 submitters: Uncertain significance (5). Last evaluated 2026-05-08.

Conditions:
COL9A3-related disorder. Also called: COL9A3-related condition.
Inborn genetic diseases. Identifiers: MedGen C0950123, MeSH D030342.

Allele frequency attached by ClinVar (database versions not stated): gnomAD 0.00002; ExAC 0.00003; gnomAD exomes 0.00003 and 0.00005.
gnomAD v4.1: 42 of 1,612,088 alleles (0.0026%); highest among the groups gnomAD compares: Admixed American, 0.025%; no homozygotes.

Submissions (5):

PreventionGenetics, part of Exact Sciences
Classification: Uncertain significance for COL9A3-related condition. Last evaluated: 2026-05-08. Review status: criteria provided, single submitter. Criteria: ACMG Guidelines, 2015. Collection method: clinical testing. Allele origin: germline.
Comment: The COL9A3 c.1958T>C variant is predicted to result in the amino acid substitution p.Ile653Thr. To our knowledge, this variant has not been reported in the literature. This variant is reported in 0.029% of alleles in individuals of Latino descent in gnomAD. At this time, the clinical significance of this variant is uncertain due to the absence of conclusive functional and genetic evidence.

Labcorp Genetics (formerly Invitae), Labcorp
Classification: Uncertain significance. Last evaluated: 2025-11-28. Review status: criteria provided, single submitter. Criteria: Invitae Variant Classification Sherloc (09022015). Collection method: clinical testing. Allele origin: germline.
Comment: This sequence change replaces isoleucine, which is neutral and non-polar, with threonine, which is neutral and polar, at codon 653 of the COL9A3 protein (p.Ile653Thr). This variant is present in population databases (rs781054072, gnomAD 0.03%). This variant has not been reported in the literature in individuals affected with COL9A3-related conditions. ClinVar contains an entry for this variant (Variation ID: 1192049). Invitae Evidence Modeling of protein sequence and biophysical properties (such as structural, functional, and spatial information, amino acid conservation, physicochemical variation, residue mobility, and thermodynamic stability) indicates that this missense variant is not expected to disrupt COL9A3 protein function with a negative predictive value of 95%. In summary, the available evidence is currently insufficient to determine the role of this variant in disease. Therefore, it has been classified as a Variant of Uncertain Significance.

Ambry Genetics
Classification: Uncertain significance for Inborn genetic diseases. Last evaluated: 2025-02-20. Review status: criteria provided, single submitter. Criteria: Ambry Variant Classification Scheme 2023. Collection method: clinical testing. Allele origin: germline.

Blueprint Genetics
Classification: Uncertain significance. Last evaluated: 2023-05-05. Review status: criteria provided, single submitter. Criteria: ACMG Guidelines, 2015. Collection method: clinical testing. Allele origin: germline.

GeneDx
Classification: Uncertain significance. Last evaluated: 2020-01-10. Review status: criteria provided, single submitter. Criteria: GeneDx Variant Classification Process June 2021. Collection method: clinical testing. Allele origin: germline. Affected: yes.
Comment: Has not been previously published as pathogenic or benign to our knowledge; In silico analysis, which includes protein predictors and evolutionary conservation, supports that this variant does not alter protein structure/function

NM_001853.4(COL9A3):c.1958T>C (p.Ile653Thr)

Gene: COL9A3 (collagen type IX alpha 3 chain; plus strand). Cytogenetic location: 20q13.33.
Variant type: single nucleotide variant.
Coding change: c.1958T>C on transcript NM_001853.4 (MANE Select); coding-DNA position 1958, T replaced by C.
Protein change: p.Ile653Thr; replaces isoleucine 653 with threonine.
Molecular consequence: missense variant.
Genome position (GRCh38, 1-based): chr20:62,840,635, T>C. VCF-style: chr20-62840635-T-C. GRCh37 (hg19) VCF-style: chr20-61471987-T-C.
Other names: short protein forms I653T.
Identifiers: ClinVar variation 1192049 (VCV001192049.12), dbSNP rs781054072, ClinGen allele CA9950269.
Genomic context (GRCh38, chr20:62,840,635, plus strand): 5'-GCCAGGACGGTGCTCCCGGCGAGCCTGGGCCTCCCGGAGATCCTGGGCTTCCAGGTGCCA[T>C]TGGGGCCCAGGGGACACCGGGGATCTGCGACACCTCAGCCTGCCAAGGAGCCGTGTTAGG-3'
Protein context (NP_001844.3, residues 643-663): PPGDPGLPGA[Ile653Thr]GAQGTPGICD